The following is an entry in ClinVar:

ClinVar aggregate classification (germline): Pathogenic (1 of 4 stars; one submission).

Conditions:
Upshaw-Schulman syndrome (TTP). Also called: Congenital thrombotic thrombocytopenic purpura; THROMBOTIC THROMBOCYTOPENIC PURPURA, HEREDITARY. Identifiers: Orphanet 93583, MedGen C1268935, MONDO:0010122, OMIM 274150.

Submission:

3billion
Classification: Pathogenic for Upshaw-Schulman syndrome. Last evaluated: 2022-09-01. Review status: criteria provided, single submitter. Criteria: ACMG Guidelines, 2015. Collection method: clinical testing. Allele origin: germline. Affected: yes. Observed: 1 homozygote.
Comment: The variant is not observed in the gnomAD v2.1.1 dataset. Stop-gained (nonsense) is predicted to result in a loss or disruption of normal protein function through nonsense-mediated decay (NMD) or protein truncation. Multiple pathogenic variants are reported downstream of the variant. Therefore, this variant is classified as Pathogenic according to the recommendation of ACMG/AMP guideline.

NM_139027.6(ADAMTS13):c.85G>T (p.Gly29Ter)

Gene: ADAMTS13 (ADAM metallopeptidase with thrombospondin type 1 motif 13; plus strand). Cytogenetic location: 9q34.2.
Variant type: single nucleotide variant.
Coding change: c.85G>T on transcript NM_139027.6 (MANE Select); coding-DNA position 85, G replaced by T.
Protein change: p.Gly29Ter; replaces glycine 29 with a stop codon.
Molecular consequence: nonsense.
Genome position (GRCh38, 1-based): chr9:133,422,528, G>T. VCF-style: chr9-133422528-G-T. GRCh37 (hg19) VCF-style: chr9-136287648-G-T.
Other names: c.85G>T, p.Gly29Ter (NM_017587.2, NM_139025.5, NM_139026.6); short protein forms G29*.
Identifiers: ClinVar variation 1705645 (VCV001705645.1), dbSNP rs1840019690, ClinGen allele CA375706780.
Genomic context (GRCh38, chr9:133,422,528, plus strand): 5'-AGATGCCCTCCCCTCTGTGTGGCCGGAATCCTTGCCTGTGGCTTTCTCCTGGGCTGCTGG[G>T]GACCCTCCCATTTCCAGCAGGTGGGCTCATTTGCAGGAGCGGGGGTATTCTGGGAGCCTC-3'